The following is an entry in ClinVar:

ClinVar aggregate classification (germline): Likely benign. Review status: criteria provided, multiple submitters, no conflicts (2 of 4 stars). 3 submissions from 3 submitters: Likely benign (2). 1 of the submissions does not count toward it. Last evaluated 2024-11-18.

Conditions:
DNAH17-related disorder. Also called: DNAH17-related condition.

Allele frequency attached by ClinVar (database versions not stated): ESP Exome Variant Server 0.00054; gnomAD 0.00054 and 0.00055; TOPMed 0.00054; ExAC 0.00062.
gnomAD v4.1: 1,598 of 1,613,864 alleles (0.099%); highest among the groups gnomAD compares: Non-Finnish European, 0.12%; 2 homozygotes.

Submissions (3):

Blueprint Genetics
Classification: Likely benign. Last evaluated: 2024-11-18. Review status: criteria provided, single submitter. Criteria: ACMG Guidelines, 2015. Collection method: clinical testing. Allele origin: germline.

Laboratory for Molecular Medicine, Mass General Brigham Personalized Medicine
Classification: Likely benign. Last evaluated: 2016-03-29. Review status: criteria provided, single submitter. Criteria: LMM Criteria. Collection method: clinical testing. Allele origin: germline.
Comment: Variant identified in a genome or exome case(s) and assessed due to predicted null impact of the variant or pathogenic assertions in the literature or databases. Disclaimer: This variant has not undergone full assessment. The following are preliminary notes: Silent, not in splice consensus

PreventionGenetics, part of Exact Sciences
Classification: Likely benign for DNAH17-related condition. Last evaluated: 2019-02-19. Review status: no assertion criteria provided. Collection method: clinical testing. Allele origin: germline. Not counted in ClinVar's aggregate classification.
Comment: This variant is classified as likely benign based on ACMG/AMP sequence variant interpretation guidelines (Richards et al. 2015 PMID: 25741868, with internal and published modifications).

NM_173628.4(DNAH17):c.5217G>A (p.Thr1739=)

Genes: DNAH17 (dynein axonemal heavy chain 17; minus strand), DNAH17-AS1 (DNAH17 antisense RNA 1; plus strand). Cytogenetic location: 17q25.3.
Variant type: single nucleotide variant.
Coding change: c.5217G>A on transcript NM_173628.4 (MANE Select); coding-DNA position 5217, G replaced by A.
Protein change: p.Thr1739=; no amino-acid change (threonine 1739 retained).
Molecular consequence: synonymous variant. On other transcripts: non-coding transcript variant (1).
Genome position (GRCh38, 1-based): chr17:78,501,847, C>T on the plus strand (G>A on the coding strand, the complement: DNAH17 is on the minus strand). VCF-style: chr17-78501847-C-T. GRCh37 (hg19) VCF-style: chr17-76497929-C-T.
Identifiers: ClinVar variation 402704 (VCV000402704.7), dbSNP rs376047406, ClinGen allele CA8803361.